The following is an entry in ClinVar:

NM_080680.3(COL11A2):c.3118C>A (p.Pro1040Thr)

Gene: COL11A2 (collagen type XI alpha 2 chain; minus strand). Cytogenetic location: 6p21.32.
Variant type: single nucleotide variant.
Coding change: c.3118C>A on transcript NM_080680.3 (MANE Select); coding-DNA position 3118, C replaced by A.
Protein change: p.Pro1040Thr; replaces proline 1040 with threonine.
Molecular consequence: missense variant.
Genome position (GRCh38, 1-based): chr6:33,171,745, G>T on the plus strand (C>A on the coding strand, the complement: COL11A2 is on the minus strand). VCF-style: chr6-33171745-G-T. GRCh37 (hg19) VCF-style: chr6-33139522-G-T.
Other names: c.2797C>A, p.Pro933Thr (NM_080679.3); c.2860C>A, p.Pro954Thr (NM_080681.3); short protein forms P1040T, P933T, P954T.
Identifiers: ClinVar variation 1218480 (VCV001218480.11), dbSNP rs759919085, ClinGen allele CA3750637.

ClinVar aggregate classification (germline): Conflicting classifications of pathogenicity. Review status: criteria provided, conflicting classifications (1 of 4 stars). 3 submissions from 3 submitters: Uncertain significance (2); Likely benign (1). Last evaluated 2025-02-04.

Conditions:
Inborn genetic diseases. Identifiers: MedGen C0950123, MeSH D030342.

Allele frequency attached by ClinVar (database versions not stated): ExAC 0.00001; gnomAD 0.00001; gnomAD exomes 0.00001.
gnomAD v4.1: 70 of 1,612,844 alleles (0.0043%); highest among the groups gnomAD compares: Non-Finnish European, 0.0055%; no homozygotes.

Submissions (3):

Labcorp Genetics (formerly Invitae), Labcorp
Classification: Likely benign. Last evaluated: 2025-02-04. Review status: criteria provided, single submitter. Criteria: Invitae Variant Classification Sherloc (09022015). Collection method: clinical testing. Allele origin: germline.

Ambry Genetics
Classification: Uncertain significance for Inborn genetic diseases. Last evaluated: 2023-11-14. Review status: criteria provided, single submitter. Criteria: Ambry Variant Classification Scheme 2023. Collection method: clinical testing. Allele origin: germline.

GeneDx
Classification: Uncertain significance. Last evaluated: 2023-05-17. Review status: criteria provided, single submitter. Criteria: GeneDx Variant Classification Process June 2021. Collection method: clinical testing. Allele origin: germline. Affected: yes.
Comment: Has not been previously published as pathogenic or benign to our knowledge; In silico analysis, which includes protein predictors and evolutionary conservation, supports a deleterious effect.